The following is an entry in ClinVar:

ClinVar aggregate classification (germline): Uncertain significance (1 of 4 stars; one submission).

Submission:

Dasa
Classification: Uncertain significance. Last evaluated: 2025-02-27. Review status: criteria provided, single submitter. Criteria: DASA Assertion Criteria. Collection method: clinical testing. Allele origin: germline.
Comment: NM_012310.5(KIF4A):c.2671A>G (p.Ser891Gly) is a missense variant that results in the substitution of serine with glycine. This variant is absent from population databases. Computational prediction algorithms are consistent with a benign effect. The currently available literature and clinical evidence are not sufficient to establish a definitive association between this variant and the reported condition. Therefore, this variant is classified as a variant of uncertain significance.

NM_012310.5(KIF4A):c.2671A>G (p.Ser891Gly)

Gene: KIF4A (kinesin family member 4A; plus strand). Cytogenetic location: Xq13.1.
Variant type: single nucleotide variant.
Coding change: c.2671A>G on transcript NM_012310.5 (MANE Select); coding-DNA position 2671, A replaced by G.
Protein change: p.Ser891Gly; replaces serine 891 with glycine.
Molecular consequence: missense variant.
Genome position (GRCh38, 1-based): chrX:70,403,915, A>G. VCF-style: chrX-70403915-A-G. GRCh37 (hg19) VCF-style: chrX-69623765-A-G.
Other names: short protein forms S891G.
Identifiers: ClinVar variation 5020991 (VCV005020991.1).